The following is an entry in ClinVar:

NM_022166.4(XYLT1):c.1217G>A (p.Arg406Gln)

Gene: XYLT1 (xylosyltransferase 1; minus strand). Cytogenetic location: 16p12.3.
Variant type: single nucleotide variant.
Coding change: c.1217G>A on transcript NM_022166.4 (MANE Select); coding-DNA position 1217, G replaced by A.
Protein change: p.Arg406Gln; replaces arginine 406 with glutamine.
Molecular consequence: missense variant.
Genome position (GRCh38, 1-based): chr16:17,198,284, C>T on the plus strand (G>A on the coding strand, the complement: XYLT1 is on the minus strand). VCF-style: chr16-17198284-C-T. GRCh37 (hg19) VCF-style: chr16-17292141-C-T.
Other names: short protein forms R406Q.
Identifiers: ClinVar variation 541798 (VCV000541798.6), dbSNP rs1457612277, ClinGen allele CA394885504.
Genomic context (GRCh38, chr16:17,198,284, plus strand): 5'-TCGGCCGCACTCAGGTTGATGAAGAAGTCCCAGGGCCAGTCGGTCATCTCCAGGAGGTCC[C>T]GCATGCTCTGCAGGTAGGTGGACAGGAGGCTGGCTCCTCCCCAGATGGTGGCCATTCTCC-3'
Protein context (NP_071449.1, residues 396-416): SLLSTYLQSM[Arg406Gln]DLLEMTDWPW

ClinVar aggregate classification (germline): Uncertain significance (1 of 4 stars; one submission).

Conditions:
Desbuquois dysplasia 1 (DBQD1). Also called: MICROMELIC DWARFISM WITH VERTEBRAL AND METAPHYSEAL ABNORMALITIES AND ADVANCED CARPOTARSAL OSSIFICATION; DESBUQUOIS DYSPLASIA 1, KIM VARIANT. Identifiers: Orphanet 1425, MedGen C4012146, MONDO:0009629, OMIM 251450.

Allele frequency attached by ClinVar (database versions not stated): gnomAD exomes 0.00001 and below 0.00001; gnomAD 0.00002; TOPMed below 0.00001.
gnomAD v4.1: 13 of 1,614,056 alleles (0.00081%); highest among the groups gnomAD compares: East Asian, 0.0067%; no homozygotes.

Submission:

Labcorp Genetics (formerly Invitae), Labcorp
Classification: Uncertain significance for Desbuquois dysplasia 1. Last evaluated: 2024-08-13. Review status: criteria provided, single submitter. Criteria: Invitae Variant Classification Sherloc (09022015). Collection method: clinical testing. Allele origin: germline.
Comment: This sequence change replaces arginine, which is basic and polar, with glutamine, which is neutral and polar, at codon 406 of the XYLT1 protein (p.Arg406Gln). This variant is present in population databases (no rsID available, gnomAD 0.005%). This variant has not been reported in the literature in individuals affected with XYLT1-related conditions. ClinVar contains an entry for this variant (Variation ID: 541798). Advanced modeling of protein sequence and biophysical properties (such as structural, functional, and spatial information, amino acid conservation, physicochemical variation, residue mobility, and thermodynamic stability) performed at Invitae indicates that this missense variant is not expected to disrupt XYLT1 protein function with a negative predictive value of 80%. In summary, the available evidence is currently insufficient to determine the role of this variant in disease. Therefore, it has been classified as a Variant of Uncertain Significance.